The following is an entry in ClinVar:

NM_182961.4(SYNE1):c.13935A>G (p.Leu4645=)

Gene: SYNE1 (spectrin repeat containing nuclear envelope protein 1; minus strand). Cytogenetic location: 6q25.2.
Variant type: single nucleotide variant.
Coding change: c.13935A>G on transcript NM_182961.4 (MANE Select); coding-DNA position 13935, A replaced by G.
Protein change: p.Leu4645=; no amino-acid change (leucine 4645 retained).
Molecular consequence: synonymous variant.
Genome position (GRCh38, 1-based): chr6:152,330,750, T>C on the plus strand (A>G on the coding strand, the complement: SYNE1 is on the minus strand). VCF-style: chr6-152330750-T-C. GRCh37 (hg19) VCF-style: chr6-152651885-T-C.
Other names: c.13722A>G, p.Leu4574= (NM_033071.5).
Identifiers: ClinVar variation 4872281 (VCV004872281.2).

ClinVar aggregate classification (germline): Likely benign (1 of 4 stars; one submission).

Submission:

CeGaT Center for Human Genetics Tuebingen
Classification: Likely benign. Last evaluated: 2026-06-01. Review status: criteria provided, single submitter. Criteria: CeGaT Center For Human Genetics Tuebingen Variant Classification Criteria Version 2. Collection method: clinical testing. Allele origin: germline. Affected: yes. Observed: 1 variant allele.
Comment: SYNE1: PM2:Supporting, BP4, BP7